The following is an entry in ClinVar:

ClinVar aggregate classification (germline): Uncertain significance (1 of 4 stars; one submission).

Submission:

GeneDx
Classification: Uncertain significance. Last evaluated: 2024-03-01. Review status: criteria provided, single submitter. Criteria: GeneDx Variant Classification Process June 2021. Collection method: clinical testing. Allele origin: germline. Affected: yes.
Comment: Has not been previously published as pathogenic or benign to our knowledge; Reported using an alternate transcript of the gene

NM_001281775.3(ZMYND8):c.2597_2617del (p.Gln866_Gln872del)

Gene: ZMYND8 (zinc finger MYND-type containing 8; minus strand). Cytogenetic location: 20q13.12.
Variant type: Deletion.
Coding change: c.2597_2617del on transcript NM_001281775.3 (MANE Select); coding-DNA positions 2597 to 2617, 21 bases deleted (AGCAAAACCAGCAGCAGCAGC).
Protein change: p.Gln866_Gln872del.
Molecular consequence: intron variant (on NM_001281781.3).
Genome position (GRCh38, 1-based): chr20:47,238,806-47,238,826, GCTGCTGCTGCTGGTTTTGCT deleted on the plus strand (AGCAAAACCAGCAGCAGCAGC on the coding strand, the reverse complement: ZMYND8 is on the minus strand); deleting any 21 consecutive bases within chr20:47,238,806-47,238,839 gives the same sequence; the c. name uses the placement nearest the transcript's 3' end. VCF-style (leftmost placement, unchanged base first): chr20-47238805-GGCTGCTGCTGCTGGTTTTGCT-G. GRCh37 (hg19) VCF-style: chr20-45867549-GGCTGCTGCTGCTGGTTTTGCT-G.
Other names: c.2537_2557del, p.Gln846_Gln852del (NM_001281772.3, NM_001281773.3, NM_001363741.2); c.2522_2542del, p.Gln841_Gln847del (NM_001281778.3); c.2597_2617del, p.Gln866_Gln872del (NM_001281783.3); c.2381_2401del, p.Gln794_Gln800del (NM_001281784.3); c.2618_2638del, p.Gln873_Gln879del (NM_001363714.1); c.2311+70_2311+90del (NM_001281781.3); c.2210-2310_2210-2290del (NM_001281771.3); c.2452+70_2452+90del (NM_001281782.3, NM_183048.4, NM_001281777.3); and 4 more.
Identifiers: ClinVar variation 3373559 (VCV003373559.1).
Genomic context (GRCh38, chr20:47,238,805, plus strand): 5'-GGAGGCTCGGTACCTTTCACAGCCTGTCTGGTCTGATATCTCGTCCCCTGGGAAGACTGA[GGCTGCTGCTGCTGGTTTTGCT>G]GCTGCTGCTGCTGCTGCTGACGCTGCATCTTCTGCATGTGCCACTTTTGGGAGGACGTTT-3'